The following is an entry in ClinVar:

ClinVar aggregate classification (germline): Uncertain significance. Review status: criteria provided, multiple submitters, no conflicts (2 of 4 stars). 2 submissions from 2 submitters: Uncertain significance (2). Last evaluated 2024-09-29.

Conditions:
Inborn genetic diseases. Identifiers: MedGen C0950123, MeSH D030342.

Allele frequency attached by ClinVar (database versions not stated): ExAC 0.00001; gnomAD 0.00003 and 0.00004; TOPMed 0.00003.

Submissions (2):

Labcorp Genetics (formerly Invitae), Labcorp
Classification: Uncertain significance. Last evaluated: 2024-09-29. Review status: criteria provided, single submitter. Criteria: Invitae Variant Classification Sherloc (09022015). Collection method: clinical testing. Allele origin: germline.
Comment: This sequence change replaces glutamic acid, which is acidic and polar, with lysine, which is basic and polar, at codon 450 of the SCN3A protein (p.Glu450Lys). This variant is present in population databases (rs777791237, gnomAD 0.006%). This variant has not been reported in the literature in individuals affected with SCN3A-related conditions. ClinVar contains an entry for this variant (Variation ID: 985602). Invitae Evidence Modeling of protein sequence and biophysical properties (such as structural, functional, and spatial information, amino acid conservation, physicochemical variation, residue mobility, and thermodynamic stability) has been performed for this missense variant. However, the output from this modeling did not meet the statistical confidence thresholds required to predict the impact of this variant on SCN3A protein function. In summary, the available evidence is currently insufficient to determine the role of this variant in disease. Therefore, it has been classified as a Variant of Uncertain Significance.

Ambry Genetics
Classification: Uncertain significance for Inborn genetic diseases. Last evaluated: 2019-03-15. Review status: criteria provided, single submitter. Criteria: Ambry exome assertion method (8-5-2015). Collection method: clinical testing. Allele origin: germline. Affected: yes. Observed: 1 variant allele.

NM_006922.4(SCN3A):c.1348G>A (p.Glu450Lys)

Gene: SCN3A (sodium voltage-gated channel alpha subunit 3; minus strand). Cytogenetic location: 2q24.3.
Variant type: single nucleotide variant.
Coding change: c.1348G>A on transcript NM_006922.4 (MANE Select); coding-DNA position 1348, G replaced by A.
Protein change: p.Glu450Lys; replaces glutamic acid 450 with lysine.
Molecular consequence: missense variant.
Genome position (GRCh38, 1-based): chr2:165,154,484, C>T on the plus strand (G>A on the coding strand, the complement: SCN3A is on the minus strand). VCF-style: chr2-165154484-C-T. GRCh37 (hg19) VCF-style: chr2-166010994-C-T.
Other names: c.1348G>A, p.Glu450Lys (NM_001081676.2, NM_001081677.2); short protein forms E450K.
Identifiers: ClinVar variation 985602 (VCV000985602.11), dbSNP rs777791237, ClinGen allele CA1939190.
Genomic context (GRCh38, chr2:165,154,484, plus strand): 5'-ATAAATCTTTGCTTTTATCACTCAGTACCTGAGCTTCTTCCTGTTGCTTTTTAAGCTGTT[C>T]GAGCATCTGCTGAAATTCGGCCTCTTTTTGTTCTGCTTCTTCCAAGGTGGCCTGATTCTG-3'
Protein context (NP_008853.3, residues 440-460): QKEAEFQQML[Glu450Lys]QLKKQQEEAQ